The following is an entry in ClinVar:

ClinVar aggregate classification (germline): Uncertain significance (1 of 4 stars; one submission).

Submission:

Labcorp Genetics (formerly Invitae), Labcorp
Classification: Uncertain significance. Last evaluated: 2022-06-11. Review status: criteria provided, single submitter. Criteria: Invitae Variant Classification Sherloc (09022015). Collection method: clinical testing. Allele origin: germline.
Comment: This sequence change replaces arginine, which is basic and polar, with glutamine, which is neutral and polar, at codon 809 of the CAD protein (p.Arg809Gln). This variant is not present in population databases (gnomAD no frequency). This variant has not been reported in the literature in individuals affected with CAD-related conditions. Algorithms developed to predict the effect of missense changes on protein structure and function are either unavailable or do not agree on the potential impact of this missense change (SIFT: "Deleterious"; PolyPhen-2: "Probably Damaging"; Align-GVGD: "Class C0"). In summary, the available evidence is currently insufficient to determine the role of this variant in disease. Therefore, it has been classified as a Variant of Uncertain Significance.

NM_004341.5(CAD):c.2426G>A (p.Arg809Gln)

Genes: CAD (carbamoyl-phosphate synthetase 2, aspartate transcarbamylase, and dihydroorotase; plus strand), LOC126806171 (BRD4-independent group 4 enhancer GRCh37_chr2:27454350-27455549; plus strand). Cytogenetic location: 2p23.3.
Variant type: single nucleotide variant.
Coding change: c.2426G>A on transcript NM_004341.5 (MANE Select); coding-DNA position 2426, G replaced by A.
Protein change: p.Arg809Gln; replaces arginine 809 with glutamine.
Molecular consequence: missense variant.
Genome position (GRCh38, 1-based): chr2:27,232,005, G>A. VCF-style: chr2-27232005-G-A. GRCh37 (hg19) VCF-style: chr2-27454873-G-A.
Other names: c.2237G>A, p.Arg746Gln (NM_001306079.2); short protein forms R746Q, R809Q.
Identifiers: ClinVar variation 2004698 (VCV002004698.1), dbSNP rs2465324876, ClinGen allele CA346211214.
Genomic context (GRCh38, chr2:27,232,005, plus strand): 5'-CAGTAGCTTCCGTCTGTCTACCCCCTTTCTATCAGGAGTTGGAGACTCCAACAGATAAGC[G>A]GATTTTTGTGGTGGCAGCTGCTTTGTGGGCTGGTTATTCAGTGGACCGCCTGTATGAGCT-3'
Protein context (NP_004332.2, residues 799-819): DMELETPTDK[Arg809Gln]IFVVAAALWA